The following is an entry in ClinVar:

NM_015910.7(WDPCP):c.1258C>T (p.Arg420Cys)

Gene: WDPCP (WD repeat containing planar cell polarity effector; minus strand). Cytogenetic location: 2p15.
Variant type: single nucleotide variant.
Coding change: c.1258C>T on transcript NM_015910.7 (MANE Select); coding-DNA position 1258, C replaced by T.
Protein change: p.Arg420Cys; replaces arginine 420 with cysteine.
Molecular consequence: missense variant. On other transcripts: non-coding transcript variant (3).
Genome position (GRCh38, 1-based): chr2:63,404,225, G>A on the plus strand (C>T on the coding strand, the complement: WDPCP is on the minus strand). VCF-style: chr2-63404225-G-A. GRCh37 (hg19) VCF-style: chr2-63631360-G-A.
Other names: c.781C>T, p.Arg261Cys (NM_001042692.3); c.1186C>T, p.Arg396Cys (NM_001354044.2); c.1258C>T, p.Arg420Cys (NM_001354045.2); short protein forms R420C, R396C, R261C.
Identifiers: ClinVar variation 965746 (VCV000965746.11), dbSNP rs769165669, ClinGen allele CA1682266.

ClinVar aggregate classification (germline): Uncertain significance. Review status: criteria provided, multiple submitters, no conflicts (2 of 4 stars). 3 submissions from 3 submitters: Uncertain significance (2). 1 of the submissions does not count toward it. Last evaluated 2025-07-02.

Conditions:
WDPCP-related disorder. Also called: WDPCP-related condition.
Bardet-Biedl syndrome (BBS). Identifiers: Orphanet 110, MedGen C0752166, MONDO:0015229.
Heart defect - tongue hamartoma - polysyndactyly syndrome. Also called: Congenital heart defects, hamartomas of tongue, and polysyndactyly. Identifiers: Orphanet 1338, MedGen C1857587, MONDO:0009008, OMIM 217085.
Bardet-Biedl syndrome 15 (BBS15). Identifiers: Orphanet 110, MedGen C3150127, MONDO:0014443, OMIM 615992.

Allele frequency attached by ClinVar (database versions not stated): gnomAD 0.00001 and 0.00006; TOPMed 0.00002; gnomAD exomes 0.00007; ExAC 0.00010.
gnomAD v4.1: 68 of 1,613,512 alleles (0.0042%); highest among the groups gnomAD compares: South Asian, 0.048%; 1 homozygote.

Submissions (3):

Labcorp Genetics (formerly Invitae), Labcorp
Classification: Uncertain significance for Bardet-Biedl syndrome. Last evaluated: 2025-07-02. Review status: criteria provided, single submitter. Criteria: Invitae Variant Classification Sherloc (09022015). Collection method: clinical testing. Allele origin: germline.
Comment: This sequence change replaces arginine, which is basic and polar, with cysteine, which is neutral and slightly polar, at codon 420 of the WDPCP protein (p.Arg420Cys). This variant is present in population databases (rs769165669, gnomAD 0.05%). This variant has not been reported in the literature in individuals affected with WDPCP-related conditions. ClinVar contains an entry for this variant (Variation ID: 965746). Invitae Evidence Modeling of protein sequence and biophysical properties (such as structural, functional, and spatial information, amino acid conservation, physicochemical variation, residue mobility, and thermodynamic stability) indicates that this missense variant is not expected to disrupt WDPCP protein function with a negative predictive value of 80%. In summary, the available evidence is currently insufficient to determine the role of this variant in disease. Therefore, it has been classified as a Variant of Uncertain Significance.

Fulgent Genetics
Classification: Uncertain significance for Heart defect - tongue hamartoma - polysyndactyly syndrome; Bardet-Biedl syndrome 15. Last evaluated: 2023-12-26. Review status: criteria provided, single submitter. Criteria: ACMG Guidelines, 2015. Collection method: clinical testing. Allele origin: germline.

PreventionGenetics, part of Exact Sciences
Classification: Uncertain significance for WDPCP-related condition. Last evaluated: 2024-04-30. Review status: no assertion criteria provided. Collection method: clinical testing. Allele origin: germline. Not counted in ClinVar's aggregate classification.
Comment: The WDPCP c.1258C>T variant is predicted to result in the amino acid substitution p.Arg420Cys. To our knowledge, this variant has not been reported in the literature. This variant is reported in 0.046% of alleles in individuals of South Asian descent in gnomAD. At this time, the clinical significance of this variant is uncertain due to the absence of conclusive functional and genetic evidence.